The following is an entry in ClinVar:

NM_025114.4(CEP290):c.5012+2T>C

Gene: CEP290 (centrosomal protein 290; minus strand). Cytogenetic location: 12q21.32.
Variant type: single nucleotide variant.
Coding change: c.5012+2T>C on transcript NM_025114.4 (MANE Select); the canonical splice donor site of the intron after coding-DNA position 5012, T replaced by C.
Molecular consequence: splice donor variant.
Genome position (GRCh38, 1-based): chr12:88,083,029, A>G on the plus strand (T>C on the coding strand, the complement: CEP290 is on the minus strand). VCF-style: chr12-88083029-A-G. GRCh37 (hg19) VCF-style: chr12-88476806-A-G.
Identifiers: ClinVar variation 497762 (VCV000497762.17), dbSNP rs1369768287, ClinGen allele CA385992634.
Genomic context (GRCh38, chr12:88,083,029, plus strand): 5'-TGTTTATCTTCATTATATCACTTATCATTTGCCTATTTTTACAATACATTTCGAAGACTT[A>G]CTGTAATTTGATATTTTCAAATTCTTTTACTTTTAATTCAGTGATTTCTCTTTGTCTCTC-3'

ClinVar aggregate classification (germline): Likely pathogenic. Review status: criteria provided, multiple submitters, no conflicts (2 of 4 stars). 6 submissions from 6 submitters: Likely pathogenic (5). 1 of the submissions does not count toward it. Last evaluated 2024-09-04.

Conditions:
Senior-Loken syndrome 6 (SLSN6). Identifiers: Orphanet 3156, MedGen C1857779, MONDO:0012433, OMIM 610189.
Bardet-Biedl syndrome 14 (BBS14). Identifiers: Orphanet 110, MedGen C2673874, MONDO:0014442, OMIM 615991.
Leber congenital amaurosis 10 (LCA10). Identifiers: Orphanet 65, MedGen C1857821, MONDO:0012723, OMIM 611755.
Meckel syndrome, type 4 (MKS4). Also called: MECKEL-GRUBER SYNDROME, TYPE 4. Identifiers: Orphanet 564, MedGen C1970161, MONDO:0012626, OMIM 611134.
Joubert syndrome 5 (JBTS5). Identifiers: Orphanet 2318, MedGen C1857780, MONDO:0012432, OMIM 610188.
Meckel-Gruber syndrome. Also called: DYSENCEPHALIA SPLANCHNOCYSTICA; GRUBER SYNDROME; Dysencephalia splachnocystica. Identifiers: Orphanet 564, MedGen C0265215, MONDO:0018921.
Joubert syndrome. Also called: CEREBELLOPARENCHYMAL DISORDER IV; JOUBERT-BOLTSHAUSER SYNDROME; Familial aplasia of the vermis. Identifiers: Orphanet 475, MedGen C5979921, MONDO:0018772.
Nephronophthisis. Also called: Juvenile Nephronophthisis. Identifiers: Orphanet 655, MedGen C0687120, MONDO:0019005, HP:0000090.
Leber congenital amaurosis (LCA). Also called: Leber's amaurosis. Identifiers: Orphanet 65, MedGen C0339527, MeSH D057130, MONDO:0018998.

Allele frequency attached by ClinVar (database versions not stated): gnomAD exomes below 0.00001 and 0.00001; gnomAD 0.00001; TOPMed 0.00001.

Submissions (6):

Labcorp Genetics (formerly Invitae), Labcorp
Classification: Likely pathogenic for Joubert syndrome; Meckel-Gruber syndrome; Nephronophthisis. Last evaluated: 2024-09-04. Review status: criteria provided, single submitter. Criteria: Invitae Variant Classification Sherloc (09022015). Collection method: clinical testing. Allele origin: germline.
Comment: This sequence change affects a donor splice site in intron 37 of the CEP290 gene. It is expected to disrupt RNA splicing. Variants that disrupt the donor or acceptor splice site typically lead to a loss of protein function (PMID: 16199547), and loss-of-function variants in CEP290 are known to be pathogenic (PMID: 16909394, 17345604, 20690115). This variant is present in population databases (no rsID available, gnomAD 0.03%). This variant has not been reported in the literature in individuals affected with CEP290-related conditions. ClinVar contains an entry for this variant (Variation ID: 497762). Algorithms developed to predict the effect of sequence changes on RNA splicing suggest that this variant may disrupt the consensus splice site. In summary, the currently available evidence indicates that the variant is pathogenic, but additional data are needed to prove that conclusively. Therefore, this variant has been classified as Likely Pathogenic.

Women's Health and Genetics/Laboratory Corporation of America, LabCorp
Classification: Likely pathogenic for Meckel syndrome, type 4. Last evaluated: 2023-12-11. Review status: criteria provided, single submitter. Criteria: LabCorp Variant Classification Summary - May 2015. Collection method: clinical testing. Allele origin: germline.
Comment: Variant summary: CEP290 c.5012+2T>C is located in a canonical splice-site and is predicted to affect mRNA splicing resulting in a significantly altered protein due to either exon skipping, shortening, or inclusion of intronic material. Several computational tools predict a significant impact on normal splicing: Two predict the variant abolishes a 5' splicing donor site. One predict the variant no significant impact on splicing. However, these predictions have yet to be confirmed by functional studies. The variant allele was found at a frequency of 1.5e-05 in 135692 control chromosomes. To our knowledge, no occurrence of c.5012+2T>C in individuals affected with Meckel Syndrome Type 4 and no experimental evidence demonstrating its impact on protein function have been reported. Four submitters have cited clinical-significance assessments for this variant to ClinVar after 2014. All submitters classified the variant as likely pathogenic. Based on the evidence outlined above, the variant was classified as likely pathogenic.

Baylor Genetics
Classification: Likely pathogenic for Bardet-Biedl syndrome 14. Last evaluated: 2023-06-25. Review status: criteria provided, single submitter. Criteria: ACMG Guidelines, 2015. Collection method: clinical testing. Allele origin: unknown.

Fulgent Genetics
Classification: Likely pathogenic for Joubert syndrome 5; Senior-Loken syndrome 6; Meckel syndrome, type 4; Leber congenital amaurosis 10; Bardet-Biedl syndrome 14. Last evaluated: 2021-10-22. Review status: criteria provided, single submitter. Criteria: ACMG Guidelines, 2015. Collection method: clinical testing. Allele origin: unknown.

Eurofins Ntd Llc (ga)
Classification: Likely pathogenic. Last evaluated: 2016-10-03. Review status: criteria provided, single submitter. Criteria: EGL Classification Definitions 2015. Collection method: clinical testing. Allele origin: germline. Observed: 1 variant allele, 1 heterozygote.

Natera, Inc.
Classification: Likely pathogenic for Leber congenital amaurosis. Last evaluated: 2020-09-16. Review status: no assertion criteria provided. Collection method: clinical testing. Allele origin: germline. Not counted in ClinVar's aggregate classification.

Literature cited by the submitters: PubMed 16199547 (cited by Labcorp Genetics (formerly Invitae), Labcorp); PubMed 16909394 (cited by Labcorp Genetics (formerly Invitae), Labcorp); PubMed 17345604 (cited by Labcorp Genetics (formerly Invitae), Labcorp); PubMed 20690115 (cited by Labcorp Genetics (formerly Invitae), Labcorp).